The following is an entry in ClinVar:

NM_001365276.2(TNXB):c.1734C>T (p.Asp578=)

Gene: TNXB (tenascin XB; minus strand). Cytogenetic location: 6p21.33.
Variant type: single nucleotide variant.
Coding change: c.1734C>T on transcript NM_001365276.2 (MANE Select); coding-DNA position 1734, C replaced by T.
Protein change: p.Asp578=; no amino-acid change (aspartic acid 578 retained).
Molecular consequence: synonymous variant.
Genome position (GRCh38, 1-based): chr6:32,096,119, G>A on the plus strand (C>T on the coding strand, the complement: TNXB is on the minus strand). VCF-style: chr6-32096119-G-A. GRCh37 (hg19) VCF-style: chr6-32063896-G-A.
Other names: p.Asp578=; c.1734C>T, p.Asp578= (NM_019105.8).
Identifiers: ClinVar variation 261126 (VCV000261126.11), dbSNP rs41270458, ClinGen allele CA3735629.

ClinVar aggregate classification (germline): Benign. Review status: criteria provided, multiple submitters, no conflicts (2 of 4 stars). 7 submissions from 7 submitters: Benign (7). Last evaluated 2026-02-04.

Conditions:
Ehlers-Danlos syndrome (EDS). Identifiers: Orphanet 98249, MedGen C0013720, MONDO:0020066.
Cardiovascular phenotype. Identifiers: MedGen CN230736.

Allele frequency attached by ClinVar (database versions not stated): 1000 Genomes Project 30x 0.01296; 1000 Genomes Project 0.01318; TOPMed 0.01632; ESP Exome Variant Server 0.01689; gnomAD 0.01827 and 0.01830; gnomAD exomes 0.02214 and 0.02216; ExAC 0.03238.
gnomAD v4.1: 34,861 of 1,604,102 alleles (2.2%); highest among the groups gnomAD compares: South Asian, 2.5%; 444 homozygotes.

Submissions (7):

Labcorp Genetics (formerly Invitae), Labcorp
Classification: Benign. Last evaluated: 2026-02-04. Review status: criteria provided, single submitter. Criteria: Invitae Variant Classification Sherloc (09022015). Collection method: clinical testing. Allele origin: germline.

Women's Health and Genetics/Laboratory Corporation of America, LabCorp
Classification: Benign. Last evaluated: 2026-01-22. Review status: criteria provided, single submitter. Criteria: LabCorp Variant Classification Summary - May 2015. Collection method: clinical testing. Allele origin: germline.

Mayo Clinic Laboratories, Mayo Clinic
Classification: Benign. Last evaluated: 2023-01-12. Review status: criteria provided, single submitter. Criteria: ACMG Guidelines, 2015. Collection method: clinical testing. Allele origin: germline. Observed: 118 variant alleles.
Comment: BS1, BS2, BP4, BP7

Genome Diagnostics Laboratory, The Hospital for Sick Children
Classification: Benign for Ehlers-Danlos syndrome. Last evaluated: 2022-06-23. Review status: criteria provided, single submitter. Criteria: ACMG Guidelines, 2015. Collection method: clinical testing. Allele origin: germline.

Ambry Genetics
Classification: Benign for Cardiovascular phenotype. Last evaluated: 2019-01-15. Review status: criteria provided, single submitter. Criteria: Ambry Variant Classification Scheme 2023. Collection method: clinical testing. Allele origin: germline.

GeneDx
Classification: Benign. Last evaluated: 2018-10-25. Review status: criteria provided, single submitter. Criteria: GeneDx Variant Classification Process June 2021. Collection method: clinical testing. Allele origin: germline. Affected: yes.

PreventionGenetics, part of Exact Sciences
Classification: Benign. Review status: criteria provided, single submitter. Criteria: ACMG Guidelines, 2015. Collection method: clinical testing. Allele origin: germline.